The following is an entry in ClinVar:

ClinVar aggregate classification (germline): Uncertain significance (1 of 4 stars; one submission).

Allele frequency attached by ClinVar (database versions not stated): gnomAD exomes below 0.00001; gnomAD 0.00001; TOPMed 0.00001.
gnomAD v4.1: 3 of 1,614,050 alleles (0.00019%); highest among the groups gnomAD compares: Admixed American, 0.005%; no homozygotes.

Submission:

Labcorp Genetics (formerly Invitae), Labcorp
Classification: Uncertain significance. Last evaluated: 2021-11-25. Review status: criteria provided, single submitter. Criteria: Invitae Variant Classification Sherloc (09022015). Collection method: clinical testing. Allele origin: germline.
Comment: This sequence change replaces threonine, which is neutral and polar, with alanine, which is neutral and non-polar, at codon 924 of the CAD protein (p.Thr924Ala). This variant is present in population databases (no rsID available, gnomAD 0.003%). This variant has not been reported in the literature in individuals affected with CAD-related conditions. Algorithms developed to predict the effect of missense changes on protein structure and function (SIFT, PolyPhen-2, Align-GVGD) all suggest that this variant is likely to be tolerated. In summary, the available evidence is currently insufficient to determine the role of this variant in disease. Therefore, it has been classified as a Variant of Uncertain Significance.

NM_004341.5(CAD):c.2770A>G (p.Thr924Ala)

Genes: CAD (carbamoyl-phosphate synthetase 2, aspartate transcarbamylase, and dihydroorotase; plus strand), LOC126806171 (BRD4-independent group 4 enhancer GRCh37_chr2:27454350-27455549; plus strand). Cytogenetic location: 2p23.3.
Variant type: single nucleotide variant.
Coding change: c.2770A>G on transcript NM_004341.5 (MANE Select); coding-DNA position 2770, A replaced by G.
Protein change: p.Thr924Ala; replaces threonine 924 with alanine.
Molecular consequence: missense variant.
Genome position (GRCh38, 1-based): chr2:27,232,572, A>G. VCF-style: chr2-27232572-A-G. GRCh37 (hg19) VCF-style: chr2-27455440-A-G.
Other names: c.2581A>G, p.Thr861Ala (NM_001306079.2); short protein forms T861A, T924A.
Identifiers: ClinVar variation 1427716 (VCV001427716.3), dbSNP rs1446576025, ClinGen allele CA346212663.